The following is an entry in ClinVar:

NM_001101426.4(CRPPA):c.*2304A>G

Gene: CRPPA (CDP-L-ribitol pyrophosphorylase A; minus strand). Cytogenetic location: 7p21.2.
Variant type: single nucleotide variant.
Coding change: c.*2304A>G on transcript NM_001101426.4 (MANE Select); 2304 bases downstream of the stop codon, A replaced by G.
Molecular consequence: 3 prime UTR variant. On other transcripts: non-coding transcript variant (1).
Genome position (GRCh38, 1-based): chr7:16,089,391, T>C on the plus strand (A>G on the coding strand, the complement: CRPPA is on the minus strand). VCF-style: chr7-16089391-T-C. GRCh37 (hg19) VCF-style: chr7-16129016-T-C.
Other names: c.*2304A>G (NM_001101417.4, NM_001368197.1).
Identifiers: ClinVar variation 359530 (VCV000359530.6), dbSNP rs547400634, ClinGen allele CA4169271.
Genomic context (GRCh38, chr7:16,089,391, plus strand): 5'-TATGTGTGTATGCGTACGTATATACATACATACATGCATGTACATATATACGTATATATG[T>C]ATGTACATAATGTGTATATATGTACGTACATACATATATGTGTATATATGTACGTGCATA-3'

ClinVar aggregate classification (germline): Likely benign. Review status: criteria provided, multiple submitters, no conflicts (2 of 4 stars). 2 submissions from 2 submitters: Likely benign (2). Last evaluated 2018-01-13.

Conditions:
Congenital Muscular Dystrophy, alpha-dystroglycan related.

Allele frequency attached by ClinVar (database versions not stated): gnomAD 0.00025 and 0.00062; TOPMed 0.00041; gnomAD exomes 0.00084 and 0.00199; 1000 Genomes Project 30x 0.00328; 1000 Genomes Project 0.00359; ExAC 0.01446.
gnomAD v4.1: 539 of 372,914 alleles (0.14%); highest among the groups gnomAD compares: South Asian, 0.85%; 22 homozygotes.

Submissions (2):

Illumina Laboratory Services, Illumina
Classification: Likely benign for Congenital Muscular Dystrophy, alpha-dystroglycan related. Last evaluated: 2018-01-13. Review status: criteria provided, single submitter. Criteria: ICSL Variant Classification Criteria 13 December 2019. Collection method: clinical testing. Allele origin: germline.
Comment: This variant was observed in the ICSL laboratory as part of a predisposition screen in an ostensibly healthy population. It had not been previously curated by ICSL or reported in the Human Gene Mutation Database (HGMD: prior to June 1st, 2018), and was therefore a candidate for classification through an automated scoring system. Utilizing variant allele frequency, disease prevalence and penetrance estimates, and inheritance mode, an automated score was calculated to assess if this variant is too frequent to cause the disease. Based on the score and internal cut-off values, a variant classified as likely benign is not then subjected to further curation. The score for this variant resulted in a classification of likely benign for this disease.

Breakthrough Genomics
Classification: Likely benign. Review status: criteria provided, single submitter. Criteria: ACMG Guidelines, 2015. Collection method: not provided. Allele origin: germline. Inheritance: Autosomal recessive inheritance. Affected: yes.